The following is an entry in ClinVar:

NM_001605.3(AARS1):c.2047C>T (p.Arg683Trp)

Gene: AARS1 (alanyl-tRNA synthetase 1; minus strand). Cytogenetic location: 16q22.1.
Variant type: single nucleotide variant.
Coding change: c.2047C>T on transcript NM_001605.3 (MANE Select); coding-DNA position 2047, C replaced by T.
Protein change: p.Arg683Trp; replaces arginine 683 with tryptophan.
Molecular consequence: missense variant.
Genome position (GRCh38, 1-based): chr16:70,258,163, G>A on the plus strand (C>T on the coding strand, the complement: AARS1 is on the minus strand). VCF-style: chr16-70258163-G-A. GRCh37 (hg19) VCF-style: chr16-70292066-G-A.
Other names: short protein forms R683W.
Identifiers: ClinVar variation 284186 (VCV000284186.15), dbSNP rs866956348, ClinGen allele CA10604718.

ClinVar aggregate classification (germline): Uncertain significance. Review status: criteria provided, multiple submitters, no conflicts (2 of 4 stars). 3 submissions from 3 submitters: Uncertain significance (3). Last evaluated 2024-08-06.

Conditions:
Charcot-Marie-Tooth disease type 2. Also called: Charcot-Marie-Tooth type 2. Identifiers: Orphanet 64746, MedGen C0270914, MONDO:0018993.

Allele frequency attached by ClinVar (database versions not stated): gnomAD 0.00001; TOPMed 0.00003; gnomAD exomes below 0.00001.

Submissions (3):

Labcorp Genetics (formerly Invitae), Labcorp
Classification: Uncertain significance for Charcot-Marie-Tooth disease type 2. Last evaluated: 2024-08-06. Review status: criteria provided, single submitter. Criteria: Invitae Variant Classification Sherloc (09022015). Collection method: clinical testing. Allele origin: germline.
Comment: This sequence change replaces arginine, which is basic and polar, with tryptophan, which is neutral and slightly polar, at codon 683 of the AARS protein (p.Arg683Trp). The frequency data for this variant in the population databases is considered unreliable, as metrics indicate poor data quality at this position in the gnomAD database. This variant has not been reported in the literature in individuals affected with AARS-related conditions. ClinVar contains an entry for this variant (Variation ID: 284186). Advanced modeling of protein sequence and biophysical properties (such as structural, functional, and spatial information, amino acid conservation, physicochemical variation, residue mobility, and thermodynamic stability) performed at Invitae indicates that this missense variant is expected to disrupt AARS protein function with a positive predictive value of 95%. In summary, the available evidence is currently insufficient to determine the role of this variant in disease. Therefore, it has been classified as a Variant of Uncertain Significance.

GeneDx
Classification: Uncertain significance. Last evaluated: 2021-10-11. Review status: criteria provided, single submitter. Criteria: GeneDx Variant Classification Process June 2021. Collection method: clinical testing. Allele origin: germline. Affected: yes.
Comment: In silico analysis supports that this missense variant has a deleterious effect on protein structure/function; Has not been previously published as pathogenic or benign to our knowledge

Eurofins Ntd Llc (ga)
Classification: Uncertain significance. Last evaluated: 2015-12-23. Review status: criteria provided, single submitter. Criteria: EGL Classification Definitions 2015. Collection method: clinical testing. Allele origin: germline. Observed: 2 variant alleles, 2 heterozygotes.